The following is an entry in ClinVar:

NM_007294.4(BRCA1):c.5333A>G (p.Asp1778Gly)

Gene: BRCA1 (BRCA1 DNA repair associated; minus strand). Cytogenetic location: 17q21.31.
Variant type: single nucleotide variant.
Coding change: c.5333A>G on transcript NM_007294.4 (MANE Select); coding-DNA position 5333, A replaced by G.
Protein change: p.Asp1778Gly; replaces aspartic acid 1778 with glycine.
Molecular consequence: missense variant. On other transcripts: non-coding transcript variant (1), intron variant (1).
Genome position (GRCh38, 1-based): chr17:43,049,194, T>C on the plus strand (A>G on the coding strand, the complement: BRCA1 is on the minus strand). VCF-style: chr17-43049194-T-C. GRCh37 (hg19) VCF-style: chr17-41201211-T-C.
Other names: p.D1778G:GAT>GGT; 5452A>G; c.1943A>G, p.Asp648Gly (NM_001408415.1, NM_001408416.1, NM_001408412.1 and 2 more transcripts); c.1907A>G, p.Asp636Gly (NM_001408418.1, NM_001408419.1, NM_001408420.1); c.1895A>G, p.Asp632Gly (NM_001408448.1, NM_001408450.1, NM_001408445.1 and 2 more transcripts); c.1889A>G, p.Asp630Gly (NM_001408451.1); c.1883A>G, p.Asp628Gly (NM_001408452.1, NM_001408453.1, NM_001408454.1 and 3 more transcripts); c.1880A>G, p.Asp627Gly (NM_001408458.1, NM_001408459.1, NM_001408460.1 and 7 more transcripts); and 75 more; short protein forms D1778G, D1731G, D1799G, D674G, D1624G, D1688G, D1706G, D1710G.
Identifiers: ClinVar variation 55539 (VCV000055539.31), dbSNP rs80357041, ClinGen allele CA003503.
Genomic context (GRCh38, chr17:43,049,194, plus strand): 5'-AATGATGAAAGCTCCTTCACCACAGAAGCACCACACAGCTGTACCATCCATTCCAGTTGA[T>C]CTAAAATGGACATTTAGATGTAAAATCACTGCAGTAATCTGCATACTTAACCCAGGCCCT-3'
Protein context (NP_009225.1, residues 1768-1788): CYGPFTNMPT[Asp1778Gly]QLEWMVQLCG

ClinVar aggregate classification (germline): Conflicting classifications of pathogenicity. Review status: criteria provided, conflicting classifications (1 of 4 stars). 14 submissions from 14 submitters: Uncertain significance (1); Benign (3); Likely benign (5). 5 of the submissions do not count toward it. Last evaluated 2026-01-06.

Conditions:
BRCA1-related disorder. Also called: BRCA1-related condition.
Malignant tumor of breast. Also called: Cancer breast; Malignant breast neoplasm. Identifiers: MedGen C0006142, MONDO:0007254. Disease mechanism: loss of function.
Hereditary cancer-predisposing syndrome. Also called: Hereditary Cancer Syndrome; Hereditary neoplastic syndrome; Neoplastic Syndromes, Hereditary; Tumor predisposition. Identifiers: Orphanet 140162, MedGen C0027672, MeSH D009386, MONDO:0015356.
Breast-ovarian cancer, familial, susceptibility to, 1 (BROVCA1). Also called: BRCA1 Hereditary Breast and Ovarian Cancer; OVARIAN CANCER, SUSCEPTIBILITY TO. Identifiers: Orphanet 145, MedGen C2676676, MONDO:0011450, OMIM 604370. Disease mechanism: loss of function.
Hereditary breast ovarian cancer syndrome. Also called: BRCA1- and BRCA2-Associated Hereditary Breast and Ovarian Cancer; Hereditary breast and ovarian cancer syndrome; Hereditary breast and ovarian cancer syndrome (HBOC); Breast and ovarian cancer; Hereditary breast and/or ovarian cancer syndrome; Hereditary breast and ovarian cancer. Identifiers: Orphanet 145, MedGen C0677776, MeSH D061325, MONDO:0003582. Disease mechanism: loss of function.

Allele frequency attached by ClinVar (database versions not stated): gnomAD exomes 0.00001 and below 0.00001; ExAC 0.00001; TOPMed 0.00002; gnomAD 0.00001.
gnomAD v4.1: 11 of 1,613,702 alleles (0.00068%); highest among the groups gnomAD compares: Non-Finnish European, 0.00085%; no homozygotes.

Submissions 1 to 14 of 15:

Labcorp Genetics (formerly Invitae), Labcorp
Classification: Benign for Hereditary breast ovarian cancer syndrome. Last evaluated: 2026-01-06. Review status: criteria provided, single submitter. Criteria: Invitae Variant Classification Sherloc (09022015). Collection method: clinical testing. Allele origin: germline.

All of Us Research Program, National Institutes of Health
Classification: Likely benign for Breast-ovarian cancer, familial, susceptibility to, 1. Last evaluated: 2024-01-11. Review status: criteria provided, single submitter. Criteria: ACMG Guidelines, 2015. Collection method: clinical testing. Allele origin: germline. Inheritance: Autosomal dominant inheritance. Observed: 5 variant alleles, 5 heterozygotes.
Comment: This study involves interpretation of variants in research participants for the purpose of population health screening. Participant phenotype was not available at the time of variant classification. Additional details can be found in publication PMID: 35346344, PMCID: PMC8962531

Quest Diagnostics Nichols Institute San Juan Capistrano
Classification: Likely benign. Last evaluated: 2023-08-22. Review status: criteria provided, single submitter. Criteria: Quest Diagnostics criteria. Collection method: clinical testing. Allele origin: unknown.

Women's Health and Genetics/Laboratory Corporation of America, LabCorp
Classification: Benign. Last evaluated: 2021-11-02. Review status: criteria provided, single submitter. Criteria: LabCorp Variant Classification Summary - May 2015. Collection method: clinical testing. Allele origin: germline.
Comment: Variant summary: BRCA1 c.5333A>G (p.Asp1778Gly) results in a non-conservative amino acid change located in the BRCT domain of the encoded protein sequence. Three of five in-silico tools predict a benign effect of the variant on protein function and 4/4 computational tools predict no significant impact on normal splicing. The variant allele was found at a frequency of 4e-06 in 251416 control chromosomes. The available data on variant occurrences in the general population are insufficient to allow any conclusion about variant significance. c.5333A>G has been reported in the literature in individuals affected with Breast And Ovarian Cancer (Judkins_2005, Thomassen_2011, Colombo_2013, Tommasi_2005, Santonocito_2020, Dorling_2021). In families with this variant, 2 transmissions of the variant allele and 1 transmissions of the reference allele to affected individuals was reported (Colombo_2013, Santonocito_2013), however in one reported family this variant was found in the proband but not found in the affected mother, suggesting a possible lack of cosegregation which is evidence against pathogenicity (Colombo_2013). In a recent case-control study, the results showed that this variant does not associate with breast cancer (Dorling_2021). At least eight publications report experimental evidence evaluating an impact on protein function and showed no damaging effect of this variant. Six clinical diagnostic laboratories have submitted clinical-significance assessments for this variant to ClinVar after 2014 without evidence for independent evaluation. All laboratories classified the variant as benign/likely benign. Based on the evidence outlined above, the variant was classified as benign.

Sema4
Classification: Likely benign for Hereditary cancer-predisposing syndrome. Last evaluated: 2021-09-08. Review status: criteria provided, single submitter. Criteria: Sema4 Curation Guidelines. Collection method: curation. Allele origin: germline.

Baylor Genetics
Classification: Uncertain significance for Breast-ovarian cancer, familial, susceptibility to, 1. Last evaluated: 2021-05-25. Review status: criteria provided, single submitter. Criteria: ACMG Guidelines, 2015. Collection method: clinical testing. Allele origin: maternal. Affected: yes. Study: CSER-TexasKidsCanSeq.
Comment: This variant was determined to be of uncertain significance according to ACMG Guidelines, 2015 [PMID:25741868].

GeneDx
Classification: Likely benign. Last evaluated: 2017-09-15. Review status: criteria provided, single submitter. Criteria: GeneDx Variant Classification (06012015). Collection method: clinical testing. Allele origin: germline. Affected: yes.
Comment: This variant is considered likely benign or benign based on one or more of the following criteria: it is a conservative change, it occurs at a poorly conserved position in the protein, it is predicted to be benign by multiple in silico algorithms, and/or has population frequency not consistent with disease.

Color Diagnostics, LLC DBA Color Health
Classification: Likely benign for Hereditary cancer-predisposing syndrome. Last evaluated: 2017-05-02. Review status: criteria provided, single submitter. Criteria: ACMG Guidelines, 2015. Collection method: clinical testing. Allele origin: germline.

Ambry Genetics
Classification: Benign for Hereditary cancer-predisposing syndrome. Last evaluated: 2014-12-08. Review status: criteria provided, single submitter. Criteria: Ambry Variant Classification Scheme 2023. Collection method: clinical testing. Allele origin: germline.

PreventionGenetics, part of Exact Sciences
Classification: Likely benign for BRCA1-related condition. Last evaluated: 2024-01-11. Review status: no assertion criteria provided. Collection method: clinical testing. Allele origin: germline. Not counted in ClinVar's aggregate classification.
Comment: This variant is classified as likely benign based on ACMG/AMP sequence variant interpretation guidelines (Richards et al. 2015 PMID: 25741868, with internal and published modifications).

Counsyl
Classification: Likely benign for Breast-ovarian cancer, familial, susceptibility to, 1. Last evaluated: 2017-03-22. Review status: no assertion criteria provided. Collection method: clinical testing. Allele origin: unknown. Not counted in ClinVar's aggregate classification.

Sharing Clinical Reports Project (SCRP)
Classification: Benign for Breast-ovarian cancer, familial 1. Last evaluated: 2010-07-26. Review status: no assertion criteria provided. Collection method: clinical testing. Allele origin: germline. Not counted in ClinVar's aggregate classification.

Breast Cancer Information Core (BIC) (BRCA1)
Classification: Uncertain significance for Breast-ovarian cancer, familial 1. Last evaluated: 2002-05-29. Review status: no assertion criteria provided. Collection method: clinical testing. Allele origin: germline. Affected: yes. Observed: 1 variant allele. Not counted in ClinVar's aggregate classification.

Brotman Baty Institute, University of Washington
No classification provided (evidence only). Condition: Breast-ovarian cancer, familial 1. Review status: no classification provided. Collection method: in vitro. Allele origin: not applicable. Functional consequence: functionally_normal. Not counted in ClinVar's aggregate classification.
ClinVar note: "not provided" was previously submitted as the classification for the variant. However, the classification appeared to be based only on an observation of functional data so it was converted to no classification on 2025-07-30.